The following is an entry in ClinVar:

NM_001377.3(DYNC2H1):c.11927G>A (p.Ser3976Asn)

Gene: DYNC2H1 (dynein cytoplasmic 2 heavy chain 1; plus strand). Cytogenetic location: 11q22.3.
Variant type: single nucleotide variant.
Coding change: c.11927G>A on transcript NM_001377.3 (MANE Select); coding-DNA position 11927, G replaced by A.
Protein change: p.Ser3976Asn; replaces serine 3976 with asparagine.
Molecular consequence: missense variant.
Genome position (GRCh38, 1-based): chr11:103,321,230, G>A. VCF-style: chr11-103321230-G-A. GRCh37 (hg19) VCF-style: chr11-103191959-G-A.
Other names: c.11948G>A, p.Ser3983Asn (NM_001080463.2); short protein forms S3976N, S3983N.
Identifiers: ClinVar variation 3053651 (VCV003053651.5), dbSNP rs4754914, ClinGen allele CA6255396.

ClinVar aggregate classification (germline): Uncertain significance. Review status: criteria provided, multiple submitters, no conflicts (2 of 4 stars). 4 submissions from 4 submitters: Uncertain significance (3). 1 of the submissions does not count toward it. Last evaluated 2024-09-26.

Conditions:
DYNC2H1-related disorder. Also called: DYNC2H1-related disorders; DYNC2H1-related condition. Identifiers: MedGen CN378770.
Inborn genetic diseases. Identifiers: MedGen C0950123, MeSH D030342.

Allele frequency attached by ClinVar (database versions not stated): gnomAD 0.00004; TOPMed 0.00004; ExAC 0.00005; ESP Exome Variant Server 0.00017.

Submissions (4):

GeneDx
Classification: Uncertain significance. Last evaluated: 2024-09-26. Review status: criteria provided, single submitter. Criteria: GeneDx Variant Classification Process June 2021. Collection method: clinical testing. Allele origin: germline. Affected: yes.
Comment: In silico analysis indicates that this missense variant does not alter protein structure/function; Has not been previously published as pathogenic or benign to our knowledge

Ambry Genetics
Classification: Uncertain significance for Inborn genetic diseases. Last evaluated: 2024-09-09. Review status: criteria provided, single submitter. Criteria: Ambry Variant Classification Scheme 2023. Collection method: clinical testing. Allele origin: germline.

Blueprint Genetics
Classification: Uncertain significance. Last evaluated: 2024-04-10. Review status: criteria provided, single submitter. Criteria: ACMG Guidelines, 2015. Collection method: clinical testing. Allele origin: germline.

PreventionGenetics, part of Exact Sciences
Classification: Uncertain significance for DYNC2H1-related condition. Last evaluated: 2024-01-10. Review status: no assertion criteria provided. Collection method: clinical testing. Allele origin: germline. Not counted in ClinVar's aggregate classification.
Comment: The DYNC2H1 c.11948G>A variant is predicted to result in the amino acid substitution p.Ser3983Asn. To our knowledge, this variant has not been reported in the literature. This variant is reported in 0.017% of alleles in individuals of African descent in gnomAD. At this time, the clinical significance of this variant is uncertain due to the absence of conclusive functional and genetic evidence.